The following is an entry in ClinVar:

ClinVar aggregate classification (germline): Likely benign (1 of 4 stars; one submission).

Submission:

GeneDx
Classification: Likely benign. Last evaluated: 2017-12-27. Review status: criteria provided, single submitter. Criteria: GeneDx Variant Classification (06012015). Collection method: clinical testing. Allele origin: germline. Affected: yes.
Comment: This variant is considered likely benign or benign based on one or more of the following criteria: it is a conservative change, it occurs at a poorly conserved position in the protein, it is predicted to be benign by multiple in silico algorithms, and/or has population frequency not consistent with disease.

NM_007327.4(GRIN1):c.2014-20C>T

Gene: GRIN1 (glutamate ionotropic receptor NMDA type subunit 1; plus strand). Cytogenetic location: 9q34.3.
Variant type: single nucleotide variant.
Coding change: c.2014-20C>T on transcript NM_007327.4 (MANE Select); 20 bases into the intron before coding-DNA position 2014, C replaced by T.
Molecular consequence: intron variant.
Genome position (GRCh38, 1-based): chr9:137,162,826, C>T. VCF-style: chr9-137162826-C-T. GRCh37 (hg19) VCF-style: chr9-140057278-C-T.
Other names: c.2077-20C>T (NM_001185090.2, NM_001185091.2); c.2014-20C>T (NM_021569.4, NM_000832.7).
Identifiers: ClinVar variation 514230 (VCV000514230.1), dbSNP rs778196740, ClinGen allele CA591372894.